The following is an entry in ClinVar:

NM_000057.4(BLM):c.2606A>G (p.Lys869Arg)

Gene: BLM (BLM RecQ like helicase; plus strand). Cytogenetic location: 15q26.1.
Variant type: single nucleotide variant.
Coding change: c.2606A>G on transcript NM_000057.4 (MANE Select); coding-DNA position 2606, A replaced by G.
Protein change: p.Lys869Arg; replaces lysine 869 with arginine.
Molecular consequence: missense variant.
Genome position (GRCh38, 1-based): chr15:90,782,872, A>G. VCF-style: chr15-90782872-A-G. GRCh37 (hg19) VCF-style: chr15-91326102-A-G.
Other names: c.2606A>G, p.Lys869Arg (NM_001287246.2, NM_001287247.2); c.1481A>G, p.Lys494Arg (NM_001287248.2); short protein forms K494R, K869R.
Identifiers: ClinVar variation 2452527 (VCV002452527.2), dbSNP rs2505495492, ClinGen allele CA393845697.
Genomic context (GRCh38, chr15:90,782,872, plus strand): 5'-ACTTTTTTAGGTTTAGCATGAGCTTTAACAGACATAATCTGAAATACTATGTATTACCGA[A>G]AAAGCCTAAAAAGGTGGCATTTGATTGCCTAGAATGGATCAGAAAGCACCACCCATGTGA-3'
Protein context (NP_000048.1, residues 859-879): RHNLKYYVLP[Lys869Arg]KPKKVAFDCL

ClinVar aggregate classification (germline): Uncertain significance (1 of 4 stars; one submission).

Conditions:
Hereditary cancer-predisposing syndrome. Also called: Neoplastic Syndromes, Hereditary; Tumor predisposition; Hereditary neoplastic syndrome; Hereditary Cancer Syndrome. Identifiers: Orphanet 140162, MedGen C0027672, MeSH D009386, MONDO:0015356.

Submission:

Ambry Genetics
Classification: Uncertain significance for Hereditary cancer-predisposing syndrome. Last evaluated: 2022-11-03. Review status: criteria provided, single submitter. Criteria: Ambry Variant Classification Scheme 2023. Collection method: clinical testing. Allele origin: germline.
Comment: The p.K869R variant (also known as c.2606A>G), located in coding exon 12 of the BLM gene, results from an A to G substitution at nucleotide position 2606. The lysine at codon 869 is replaced by arginine, an amino acid with highly similar properties. This amino acid position is conserved. In addition, the in silico prediction for this alteration is inconclusive. Since supporting evidence is limited at this time, the clinical significance of this alteration remains unclear.